The following is an entry in ClinVar:

NM_000179.3(MSH6):c.3346G>A (p.Gly1116Ser)

Gene: MSH6 (mutS homolog 6; plus strand). Cytogenetic location: 2p16.3.
Variant type: single nucleotide variant.
Coding change: c.3346G>A on transcript NM_000179.3 (MANE Select); coding-DNA position 3346, G replaced by A.
Protein change: p.Gly1116Ser; replaces glycine 1116 with serine.
Molecular consequence: missense variant.
Genome position (GRCh38, 1-based): chr2:47,803,593, G>A. VCF-style: chr2-47803593-G-A. GRCh37 (hg19) VCF-style: chr2-48030732-G-A.
Other names: c.2956G>A, p.Gly986Ser (NM_001281492.2); c.2440G>A, p.Gly814Ser (NM_001281493.2, NM_001281494.2); short protein forms G814S, G1116S, G986S.
Identifiers: ClinVar variation 660233 (VCV000660233.12), dbSNP rs1114167775, ClinGen allele CA346758747.
Genomic context (GRCh38, chr2:47,803,593, plus strand): 5'-CATCCTTGCATTACGAAGACTTTTTTTGGAGATGATTTTATTCCTAATGACATTCTAATA[G>A]GCTGTGAGGAAGAGGAGCAGGAAAATGGCAAAGCCTATTGTGTGCTTGTTACTGGACCAA-3'
Protein context (NP_000170.1, residues 1106-1126): DDFIPNDILI[Gly1116Ser]CEEEEQENGK

ClinVar aggregate classification (germline): Uncertain significance. Review status: criteria provided, multiple submitters, no conflicts (2 of 4 stars). 2 submissions from 2 submitters: Uncertain significance (2). Last evaluated 2025-12-19.

Conditions:
Hereditary nonpolyposis colorectal neoplasms. Identifiers: MedGen C0009405, MeSH D003123.
Hereditary cancer-predisposing syndrome. Also called: Neoplastic Syndromes, Hereditary; Hereditary neoplastic syndrome; Tumor predisposition; Hereditary Cancer Syndrome. Identifiers: Orphanet 140162, MedGen C0027672, MeSH D009386, MONDO:0015356.

Submissions (2):

Ambry Genetics
Classification: Uncertain significance for Hereditary cancer-predisposing syndrome. Last evaluated: 2025-12-19. Review status: criteria provided, single submitter. Criteria: Ambry Variant Classification Scheme 2023. Collection method: clinical testing. Allele origin: germline.
Comment: The p.G1116S variant (also known as c.3346G>A), located in coding exon 5 of the MSH6 gene, results from a G to A substitution at nucleotide position 3346. The glycine at codon 1116 is replaced by serine, an amino acid with similar properties. This amino acid position is highly conserved in available vertebrate species. In addition, this alteration is predicted to be deleterious by in silico analysis. Since supporting evidence is limited at this time, the clinical significance of this alteration remains unclear.

Labcorp Genetics (formerly Invitae), Labcorp
Classification: Uncertain significance for Hereditary nonpolyposis colorectal neoplasms. Last evaluated: 2024-06-24. Review status: criteria provided, single submitter. Criteria: Invitae Variant Classification Sherloc (09022015). Collection method: clinical testing. Allele origin: germline.
Comment: This sequence change replaces glycine, which is neutral and non-polar, with serine, which is neutral and polar, at codon 1116 of the MSH6 protein (p.Gly1116Ser). This variant is not present in population databases (gnomAD no frequency). This variant has not been reported in the literature in individuals affected with MSH6-related conditions. ClinVar contains an entry for this variant (Variation ID: 660233). Advanced modeling of protein sequence and biophysical properties (such as structural, functional, and spatial information, amino acid conservation, physicochemical variation, residue mobility, and thermodynamic stability) performed at Invitae indicates that this missense variant is not expected to disrupt MSH6 protein function with a negative predictive value of 95%. In summary, the available evidence is currently insufficient to determine the role of this variant in disease. Therefore, it has been classified as a Variant of Uncertain Significance.